The following is an entry in ClinVar:

NM_001369.3(DNAH5):c.624C>G (p.Asn208Lys)

Gene: DNAH5 (dynein axonemal heavy chain 5; minus strand). Cytogenetic location: 5p15.2.
Variant type: single nucleotide variant.
Coding change: c.624C>G on transcript NM_001369.3 (MANE Select); coding-DNA position 624, C replaced by G.
Protein change: p.Asn208Lys; replaces asparagine 208 with lysine.
Molecular consequence: missense variant.
Genome position (GRCh38, 1-based): chr5:13,922,143, G>C on the plus strand (C>G on the coding strand, the complement: DNAH5 is on the minus strand). VCF-style: chr5-13922143-G-C. GRCh37 (hg19) VCF-style: chr5-13922252-G-C.
Other names: short protein forms N208K.
Identifiers: ClinVar variation 857698 (VCV000857698.1), dbSNP rs139640247, ClinGen allele CA359222231.

ClinVar aggregate classification (germline): Uncertain significance (1 of 4 stars; one submission).

Conditions:
Primary ciliary dyskinesia. Also called: Ciliary dyskinesia. Identifiers: Orphanet 244, MedGen C0008780, MONDO:0016575, HP:0012265.

Submission:

Labcorp Genetics (formerly Invitae), Labcorp
Classification: Uncertain significance for Primary ciliary dyskinesia. Last evaluated: 2019-01-29. Review status: criteria provided, single submitter. Criteria: Invitae Variant Classification Sherloc (09022015). Collection method: clinical testing. Allele origin: germline.
Comment: This sequence change replaces asparagine with lysine at codon 208 of the DNAH5 protein (p.Asn208Lys). The asparagine residue is weakly conserved and there is a moderate physicochemical difference between asparagine and lysine. This variant is not present in population databases (ExAC no frequency). This variant has not been reported in the literature in individuals with DNAH5-related conditions. Algorithms developed to predict the effect of missense changes on protein structure and function (SIFT, PolyPhen-2, Align-GVGD) all suggest that this variant is likely to be tolerated, but these predictions have not been confirmed by published functional studies and their clinical significance is uncertain. In summary, the available evidence is currently insufficient to determine the role of this variant in disease. Therefore, it has been classified as a Variant of Uncertain Significance.